The following is an entry in ClinVar:

ClinVar aggregate classification (germline): Uncertain significance (1 of 4 stars; one submission).

Allele frequency attached by ClinVar (database versions not stated): ExAC 0.00001; gnomAD 0.00001; gnomAD exomes 0.00001; TOPMed 0.00002.

Submission:

Labcorp Genetics (formerly Invitae), Labcorp
Classification: Uncertain significance. Last evaluated: 2023-10-16. Review status: criteria provided, single submitter. Criteria: Invitae Variant Classification Sherloc (09022015). Collection method: clinical testing. Allele origin: germline.
Comment: This sequence change replaces methionine, which is neutral and non-polar, with valine, which is neutral and non-polar, at codon 1130 of the CACNA1B protein (p.Met1130Val). This variant is present in population databases (rs770195186, gnomAD 0.0009%). This variant has not been reported in the literature in individuals affected with CACNA1B-related conditions. ClinVar contains an entry for this variant (Variation ID: 1951528). Advanced modeling of protein sequence and biophysical properties (such as structural, functional, and spatial information, amino acid conservation, physicochemical variation, residue mobility, and thermodynamic stability) has been performed at Invitae for this missense variant, however the output from this modeling did not meet the statistical confidence thresholds required to predict the impact of this variant on CACNA1B protein function. In summary, the available evidence is currently insufficient to determine the role of this variant in disease. Therefore, it has been classified as a Variant of Uncertain Significance.

NM_000718.4(CACNA1B):c.3388A>G (p.Met1130Val)

Genes: CACNA1B (calcium voltage-gated channel subunit alpha1 B; plus strand), LOC101928786 (uncharacterized LOC101928786; minus strand). Cytogenetic location: 9q34.3.
Variant type: single nucleotide variant.
Coding change: c.3388A>G on transcript NM_000718.4 (MANE Select); coding-DNA position 3388, A replaced by G.
Protein change: p.Met1130Val; replaces methionine 1130 with valine.
Molecular consequence: missense variant.
Genome position (GRCh38, 1-based): chr9:138,043,875, A>G. VCF-style: chr9-138043875-A-G. GRCh37 (hg19) VCF-style: chr9-140938327-A-G.
Other names: c.3388A>G, p.Met1130Val (NM_001243812.2); short protein forms M1130V.
Identifiers: ClinVar variation 1951528 (VCV001951528.5), dbSNP rs770195186, ClinGen allele CA5376643.